The following is an entry in ClinVar:

NM_001394998.1(TANC2):c.3656A>G (p.His1219Arg)

Genes: TANC2 (tetratricopeptide repeat, ankyrin repeat and coiled-coil containing 2; plus strand), LOC105371856 (uncharacterized LOC105371856; minus strand). Cytogenetic location: 17q23.3.
Variant type: single nucleotide variant.
Coding change: c.3656A>G on transcript NM_001394998.1 (MANE Select); coding-DNA position 3656, A replaced by G.
Protein change: p.His1219Arg; replaces histidine 1219 with arginine.
Molecular consequence: missense variant.
Genome position (GRCh38, 1-based): chr17:63,411,577, A>G. VCF-style: chr17-63411577-A-G. GRCh37 (hg19) VCF-style: chr17-61488938-A-G.
Other names: c.3434A>G, p.His1145Arg (NM_001411076.1, NM_025185.4); short protein forms H1145R, H1219R.
Identifiers: ClinVar variation 2503232 (VCV002503232.1), dbSNP rs1203482098, ClinGen allele CA400536271.

ClinVar aggregate classification (germline): Uncertain significance (1 of 4 stars; one submission).

Allele frequency attached by ClinVar (database versions not stated): gnomAD exomes below 0.00001.
gnomAD v4.1: 3 of 1,613,988 alleles (0.00019%); highest among the groups gnomAD compares: East Asian, 0.0022%; no homozygotes.

Submission:

GeneDx
Classification: Uncertain significance. Last evaluated: 2022-11-23. Review status: criteria provided, single submitter. Criteria: GeneDx Variant Classification Process June 2021. Collection method: clinical testing. Allele origin: germline. Affected: yes.
Comment: In silico analysis supports that this missense variant has a deleterious effect on protein structure/function; Has not been previously published as pathogenic or benign to our knowledge